The following is an entry in ClinVar:

ClinVar aggregate classification (germline): Uncertain significance (1 of 4 stars; one submission).

Conditions:
Autosomal recessive spinocerebellar ataxia 12. Also called: SPINOCEREBELLAR ATAXIA WITH MENTAL RETARDATION AND EPILEPSY. Identifiers: Orphanet 284282, MedGen C3280452, MONDO:0013687, OMIM 614322.
Developmental and epileptic encephalopathy, 1 (DEE1). Also called: X-linked infantile spasms; West's syndrome; Tonic spasms with clustering, arrest of psychomotor development and hypsarrhythmia on EEG; X-Linked Infantile Spasm Syndrome; OHTAHARA SYNDROME, X-LINKED; INFANTILE SPASM SYNDROME, X-LINKED 1. Identifiers: MedGen C3463992, MONDO:0010632, OMIM 308350. Disease mechanism: loss of function.

Submission:

Labcorp Genetics (formerly Invitae), Labcorp
Classification: Uncertain significance for Developmental and epileptic encephalopathy, 1; Autosomal recessive spinocerebellar ataxia 12. Last evaluated: 2020-09-17. Review status: criteria provided, single submitter. Criteria: Invitae Variant Classification Sherloc (09022015). Collection method: clinical testing. Allele origin: germline.
Comment: In summary, the available evidence is currently insufficient to determine the role of this variant in disease. Therefore, it has been classified as a Variant of Uncertain Significance. Algorithms developed to predict the effect of missense changes on protein structure and function are either unavailable or do not agree on the potential impact of this missense change (SIFT: "Deleterious"; PolyPhen-2: "Benign"; Align-GVGD: "Class C0"). This variant has not been reported in the literature in individuals with WWOX-related conditions. This variant is not present in population databases (ExAC no frequency). This sequence change replaces proline with arginine at codon 384 of the WWOX protein (p.Pro384Arg). The proline residue is moderately conserved and there is a moderate physicochemical difference between proline and arginine.

NM_016373.4(WWOX):c.1151C>G (p.Pro384Arg)

Genes: MAF (MAF bZIP transcription factor; minus strand), WWOX (WW domain containing oxidoreductase; plus strand). Cytogenetic location: 16q23.2.
Variant type: single nucleotide variant.
Coding change: c.1151C>G on transcript NM_016373.4 (MANE Select); coding-DNA position 1151, C replaced by G.
Protein change: p.Pro384Arg; replaces proline 384 with arginine.
Molecular consequence: missense variant.
Genome position (GRCh38, 1-based): chr16:79,211,702, C>G. VCF-style: chr16-79211702-C-G. GRCh37 (hg19) VCF-style: chr16-79245599-C-G.
Other names: c.812C>G, p.Pro271Arg (NM_001291997.2); short protein forms P271R, P384R.
Identifiers: ClinVar variation 845836 (VCV000845836.8), dbSNP rs2051759512, ClinGen allele CA396537156.